The following is an entry in ClinVar:

NM_001395413.1(POR):c.1112T>A (p.Leu371His)

Gene: POR (cytochrome p450 oxidoreductase; plus strand). Cytogenetic location: 7q11.23.
Variant type: single nucleotide variant.
Coding change: c.1112T>A on transcript NM_001395413.1 (MANE Select); coding-DNA position 1112, T replaced by A.
Protein change: p.Leu371His; replaces leucine 371 with histidine.
Molecular consequence: missense variant.
Genome position (GRCh38, 1-based): chr7:75,984,831, T>A. VCF-style: chr7-75984831-T-A. GRCh37 (hg19) VCF-style: chr7-75614149-T-A.
Other names: c.1112T>A, p.Leu371His (NM_001367562.3, NM_001382657.2, NM_001382658.3 and 2 more transcripts); c.1166T>A, p.Leu389His (NM_001382655.3); short protein forms L371H, L389H.
Identifiers: ClinVar variation 3902368 (VCV003902368.1).

ClinVar aggregate classification (germline): Likely pathogenic (1 of 4 stars; one submission).

Conditions:
Congenital adrenal hyperplasia. Identifiers: Orphanet 418, MedGen C0001627, MONDO:0018479, HP:0008258.

Submission:

Women's Health and Genetics/Laboratory Corporation of America, LabCorp
Classification: Likely pathogenic for Congenital adrenal hyperplasia. Last evaluated: 2025-05-08. Review status: criteria provided, single submitter. Criteria: LabCorp Variant Classification Summary - May 2015. Collection method: clinical testing. Allele origin: germline.
Comment: Variant summary: POR c.1112T>A (p.Leu371His) results in a non-conservative amino acid change in the encoded protein sequence. This variant is also known as L374H. Algorithms developed to predict the effect of missense changes on protein structure and function all suggest that this variant is likely to be disruptive. The variant was absent in 248058 control chromosomes. c.1112T>A has been observed in one individual affected with P450 Oxidoreductase Deficiency (example, Parween_2016). At least one publication reports experimental evidence evaluating an impact on protein function. The most pronounced variant effect results in <10% of normal activity in vitro (Parween_2016). The following publication has been ascertained in the context of this evaluation (PMID: 27603900). No submitters have cited clinical-significance assessments for this variant to ClinVar. Based on the evidence outlined above, the variant was classified as likely pathogenic.

Literature cited by the submitters: PubMed 27603900.